The following is an entry in ClinVar:

ClinVar aggregate classification (germline): Uncertain significance. Review status: criteria provided, multiple submitters, no conflicts (2 of 4 stars). 3 submissions from 3 submitters: Uncertain significance (3). Last evaluated 2023-05-08.

Allele frequency attached by ClinVar (database versions not stated): gnomAD 0.00001; gnomAD exomes 0.00001; TOPMed 0.00005.
gnomAD v4.1: 11 of 1,612,552 alleles (0.00068%); highest among the groups gnomAD compares: Admixed American, 0.005%; no homozygotes.

Submissions (3):

Blueprint Genetics
Classification: Uncertain significance. Last evaluated: 2023-05-08. Review status: criteria provided, single submitter. Criteria: ACMG Guidelines, 2015. Collection method: clinical testing. Allele origin: germline.

GeneDx
Classification: Uncertain significance. Last evaluated: 2022-08-29. Review status: criteria provided, single submitter. Criteria: GeneDx Variant Classification Process June 2021. Collection method: clinical testing. Allele origin: germline. Affected: yes.
Comment: Has not been previously published as pathogenic or benign to our knowledge; In silico analysis supports that this missense variant does not alter protein structure/function

Ambry Genetics
Classification: Uncertain significance. Last evaluated: 2021-08-10. Review status: criteria provided, single submitter. Criteria: Ambry Variant Classification Scheme 2023. Collection method: clinical testing. Allele origin: germline.

NM_004715.5(CTDP1):c.1162G>A (p.Glu388Lys)

Gene: CTDP1 (CTD phosphatase 1; plus strand). Cytogenetic location: 18q23.
Variant type: single nucleotide variant.
Coding change: c.1162G>A on transcript NM_004715.5 (MANE Select); coding-DNA position 1162, G replaced by A.
Protein change: p.Glu388Lys; replaces glutamic acid 388 with lysine.
Molecular consequence: missense variant.
Genome position (GRCh38, 1-based): chr18:79,714,622, G>A. VCF-style: chr18-79714622-G-A. GRCh37 (hg19) VCF-style: chr18-77474622-G-A.
Other names: c.805G>A, p.Glu269Lys (NM_001202504.1); c.1162G>A, p.Glu388Lys (NM_001318511.2, NM_048368.4); short protein forms E269K, E388K.
Identifiers: ClinVar variation 1703333 (VCV001703333.6), dbSNP rs1032972561, ClinGen allele CA303771916.
Genomic context (GRCh38, chr18:79,714,622, plus strand): 5'-GCCCCTGGAGTGGAGCCCAGCAATGGCCTGGAGAAGCCTGCACGGGAGCTGAACGGCAGC[G>A]AGGCCGCCACCCCGCGGGACTCACCCCGCCCCGGGAAGCCAGACGAGAGGGACATCTGGC-3'
Protein context (NP_004706.3, residues 378-398): EKPARELNGS[Glu388Lys]AATPRDSPRP